The following is an entry in ClinVar:

NM_014141.6(CNTNAP2):c.3115C>G (p.Gln1039Glu)

Gene: CNTNAP2 (contactin associated protein 2; plus strand). Cytogenetic location: 7q36.1.
Variant type: single nucleotide variant.
Coding change: c.3115C>G on transcript NM_014141.6 (MANE Select); coding-DNA position 3115, C replaced by G.
Protein change: p.Gln1039Glu; replaces glutamine 1039 with glutamic acid.
Molecular consequence: missense variant.
Genome position (GRCh38, 1-based): chr7:148,217,392, C>G. VCF-style: chr7-148217392-C-G. GRCh37 (hg19) VCF-style: chr7-147914484-C-G.
Other names: short protein forms Q1039E.
Identifiers: ClinVar variation 426697 (VCV000426697.13), dbSNP rs372351365, ClinGen allele CA4546554.
Genomic context (GRCh38, chr7:148,217,392, plus strand): 5'-TTTCAGGCACCAGCAACAAATGCCAGAGACTCCAGCAGCAGAGTAGACAACGCTCCCGAC[C>G]AGCAGAACTCCCACCCGGACCTGGCACAGGAGGAGATCCGCTTCAGCTTCAGCACCACCA-3'
Protein context (NP_054860.1, residues 1029-1049): SSSRVDNAPD[Gln1039Glu]QNSHPDLAQE

ClinVar aggregate classification (germline): Uncertain significance. Review status: criteria provided, multiple submitters, no conflicts (2 of 4 stars). 3 submissions from 3 submitters: Uncertain significance (3). Last evaluated 2025-05-20.

Conditions:
Cortical dysplasia-focal epilepsy syndrome (PTHSL1). Also called: Pitt-Hopkins-like syndrome 1. Identifiers: Orphanet 163681, Orphanet 221150, MedGen C2750246, MONDO:0012400, OMIM 610042.

Allele frequency attached by ClinVar (database versions not stated): gnomAD 0.00001; gnomAD exomes 0.00001 and 0.00003; ExAC 0.00002; TOPMed 0.00002; ESP Exome Variant Server 0.00008.
gnomAD v4.1: 43 of 1,614,038 alleles (0.0027%); highest among the groups gnomAD compares: Non-Finnish European, 0.0035%; no homozygotes.

Submissions (3):

GeneDx
Classification: Uncertain significance. Last evaluated: 2025-05-20. Review status: criteria provided, single submitter. Criteria: GeneDx Variant Classification Process June 2021. Collection method: clinical testing. Allele origin: germline. Affected: yes.
Comment: Not observed at significant frequency in large population cohorts (gnomAD); In silico analysis suggests that this missense variant does not alter protein structure/function; Has not been previously published as pathogenic or benign to our knowledge

Labcorp Genetics (formerly Invitae), Labcorp
Classification: Uncertain significance for Cortical dysplasia-focal epilepsy syndrome. Last evaluated: 2021-09-01. Review status: criteria provided, single submitter. Criteria: Invitae Variant Classification Sherloc (09022015). Collection method: clinical testing. Allele origin: germline.
Comment: This sequence change replaces glutamine with glutamic acid at codon 1039 of the CNTNAP2 protein (p.Gln1039Glu). The glutamine residue is moderately conserved and there is a small physicochemical difference between glutamine and glutamic acid. This variant is present in population databases (rs372351365, ExAC 0.004%). This variant has not been reported in the literature in individuals affected with CNTNAP2-related conditions. ClinVar contains an entry for this variant (Variation ID: 426697). Algorithms developed to predict the effect of missense changes on protein structure and function (SIFT, PolyPhen-2, Align-GVGD) all suggest that this variant is likely to be tolerated. In summary, the available evidence is currently insufficient to determine the role of this variant in disease. Therefore, it has been classified as a Variant of Uncertain Significance.

Illumina Laboratory Services, Illumina
Classification: Uncertain significance for Cortical dysplasia-focal epilepsy syndrome. Last evaluated: 2018-01-13. Review status: criteria provided, single submitter. Criteria: ICSL Variant Classification Criteria 13 December 2019. Collection method: clinical testing. Allele origin: germline.